The following is an entry in ClinVar:

ClinVar aggregate classification (germline): Uncertain significance (1 of 4 stars; one submission).

gnomAD v4.1: 1 of 1,212,250 alleles (0.000082%); highest among the groups gnomAD compares: Non-Finnish European, 0.00011%; no homozygotes.

Submission:

CeGaT Center for Human Genetics Tuebingen
Classification: Uncertain significance. Last evaluated: 2024-07-01. Review status: criteria provided, single submitter. Criteria: CeGaT Center For Human Genetics Tuebingen Variant Classification Criteria Version 2. Collection method: clinical testing. Allele origin: germline. Affected: yes. Observed: 1 variant allele.
Comment: SYP: PM2, BP4

NM_003179.3(SYP):c.533A>G (p.Lys178Arg)

Gene: SYP (synaptophysin; minus strand). Cytogenetic location: Xp11.23.
Variant type: single nucleotide variant.
Coding change: c.533A>G on transcript NM_003179.3 (MANE Select); coding-DNA position 533, A replaced by G.
Protein change: p.Lys178Arg; replaces lysine 178 with arginine.
Molecular consequence: missense variant.
Genome position (GRCh38, 1-based): chrX:49,193,354, T>C on the plus strand (A>G on the coding strand, the complement: SYP is on the minus strand). VCF-style: chrX-49193354-T-C. GRCh37 (hg19) VCF-style: chrX-49049811-T-C.
Other names: short protein forms K178R.
Identifiers: ClinVar variation 3257553 (VCV003257553.17).